The following is an entry in ClinVar:

NM_001039213.4(CEACAM16):c.319A>G (p.Ile107Val)

Genes: CEACAM16 (CEA cell adhesion molecule 16, tectorial membrane component; plus strand), CEACAM16-AS1 (CEACAM16, CEACAM19 and PVR antisense RNA 1; minus strand). Cytogenetic location: 19q13.32.
Variant type: single nucleotide variant.
Coding change: c.319A>G on transcript NM_001039213.4 (MANE Select); coding-DNA position 319, A replaced by G.
Protein change: p.Ile107Val; replaces isoleucine 107 with valine.
Molecular consequence: missense variant.
Genome position (GRCh38, 1-based): chr19:44,703,630, A>G. VCF-style: chr19-44703630-A-G. GRCh37 (hg19) VCF-style: chr19-45206900-A-G.
Other names: short protein forms I107V.
Identifiers: ClinVar variation 1723549 (VCV001723549.2), dbSNP rs1018820441, ClinGen allele CA308869910.
Genomic context (GRCh38, chr19:44,703,630, plus strand): 5'-GTGCGCCCCGATGGCAGCCTGGACATCCAGGGCATCCTGCCCCGGCACTCAGGCACCTAC[A>G]TCCTGCAGACCTTCAACAGGCAGTTGCAGACCGAGGTGGGCTACGGACACGTGCAGGTCC-3'
Protein context (NP_001034302.2, residues 97-117): GILPRHSGTY[Ile107Val]LQTFNRQLQT

ClinVar aggregate classification (germline): Uncertain significance (1 of 4 stars; one submission).

Allele frequency attached by ClinVar (database versions not stated): gnomAD exomes below 0.00001; TOPMed 0.00004; gnomAD 0.00005.
gnomAD v4.1: 9 of 1,605,728 alleles (0.00056%); highest among the groups gnomAD compares: African/African-American, 0.011%; no homozygotes.

Submission:

GeneDx
Classification: Uncertain significance. Last evaluated: 2022-05-13. Review status: criteria provided, single submitter. Criteria: GeneDx Variant Classification Process June 2021. Collection method: clinical testing. Allele origin: germline. Affected: yes.
Comment: In silico analysis supports that this missense variant does not alter protein structure/function; Has not been previously published as pathogenic or benign to our knowledge